The following is an entry in ClinVar:

ClinVar aggregate classification (germline): Pathogenic (1 of 4 stars; one submission).

Conditions:
Spinocerebellar ataxia, autosomal recessive, with axonal neuropathy 2 (SCAN2). Also called: Ataxia with Oculomotor Apraxia; ATAXIA-OCULOMOTOR APRAXIA 2; Ataxia-ocular apraxia-2; Ataxia with Oculomotor Apraxia Type 2. Identifiers: Orphanet 64753, MedGen C1853761, MONDO:0018996, OMIM 606002.

Submission:

Sadaf Naz Human Genetics Laboratory, University of the Punjab
Classification: Pathogenic for Spinocerebellar ataxia, autosomal recessive, with axonal neuropathy 2. Last evaluated: 2020-02-03. Review status: criteria provided, single submitter. Criteria: ACMG Guidelines, 2015. Collection method: research. Allele origin: germline. Inheritance: Autosomal recessive inheritance. Affected: yes. Observed: 5 variant alleles. Clinical features observed: Ataxia with Oculomotor apraxia type 2, Dysarthria, Head titubation, Limb muscle amyotrophy, contractures of hands and feet, Neuropathy.
Comment: The variant c.4633_4636delAGTG, p.Ser1545AlafsTer26 causes ataxia, dysarthria and neuropathy in multiple affected individuals in a consanguineous family. The variant is absent in the gnomAD and 600 chromosomes of the ethnically matched control population. In summary, we classify this variant as pathogenic based on our segregation analysis and its absence in public databases and ethnically matched control population.

Literature cited by the submitters: PubMed 19744353.

NM_015046.7(SETX):c.4633_4636del (p.Ser1545fs)

Gene: SETX (senataxin; minus strand). Cytogenetic location: 9q34.13.
Variant type: Deletion.
Coding change: c.4633_4636del on transcript NM_015046.7 (MANE Select); coding-DNA positions 4633 to 4636, 4 bases deleted (AGTG; older notation c.4633_4636delAGTG).
Protein change: p.Ser1545fs; shifts the reading frame from serine 1545.
Molecular consequence: frameshift variant.
Genome position (GRCh38, 1-based): chr9:132,326,962-132,326,965, CACT deleted on the plus strand (AGTG on the coding strand, the reverse complement: SETX is on the minus strand); deleting any 4 consecutive bases within chr9:132,326,962-132,326,967 gives the same sequence; the c. name uses the placement nearest the transcript's 3' end. VCF-style (leftmost placement, unchanged base first): chr9-132326961-CCACT-C. GRCh37 (hg19) VCF-style: chr9-135202348-CCACT-C.
Other names: c.4633_4636del, p.Ser1545fs (NM_001351527.2, NM_001351528.2); c.4633_4636delAGTG (NM_015046.7); short protein forms S1545fs.
Identifiers: ClinVar variation 4685474 (VCV004685474.1).
Genomic context (GRCh38, chr9:132,326,961, plus strand): 5'-GGGCAGTATTCACCCTGGTTTTTTGTGGTTTCAAGACAATCTTTGTACTTACACTTTGTG[CCACT>C]CAAAGATTCCAACTGAGGCCGACTTACAGAATCTTCTTCAACCTCAACTGTATCTTTTCC-3'